The following is an entry in ClinVar:

ClinVar aggregate classification (germline): Conflicting classifications of pathogenicity. Review status: criteria provided, conflicting classifications (1 of 4 stars). 5 submissions from 2 submitters: Uncertain significance (1); Benign (3); Likely benign (1). Last evaluated 2021-08-24.

Conditions:
Charcot-Marie-Tooth disease type 1B. Also called: HEREDITARY MOTOR AND SENSORY NEUROPATHY I; HEREDITARY MOTOR AND SENSORY NEUROPATHY IB; PERONEAL MUSCULAR ATROPHY; CHARCOT-MARIE-TOOTH DISEASE, AUTOSOMAL DOMINANT, WITH FOCALLY FOLDED MYELIN SHEATHS, TYPE 1B; CHARCOT-MARIE-TOOTH DISEASE, SLOW NERVE CONDUCTION TYPE, LINKED TO DUFFY; CHARCOT-MARIE-TOOTH NEUROPATHY, TYPE 1B. Identifiers: Orphanet 101082, MedGen C0270912, MONDO:0007307, OMIM 118200.
Neuropathy, congenital hypomyelinating, 2. Identifiers: MedGen C4722277, MONDO:0020765, OMIM 618184.
Charcot-Marie-Tooth disease dominant intermediate D. Also called: CHARCOT-MARIE-TOOTH NEUROPATHY, DOMINANT INTERMEDIATE D; Charcot-Marie-Tooth disease dominant intermediate 3; CMT DI3. Identifiers: Orphanet 100046, MedGen C1843075, MONDO:0011909, OMIM 607791.
Roussy-Lévy syndrome. Also called: Roussy-Levy Syndrome; Roussy Levy hereditary areflexic dystasia; Roussy-Levy disease; Hereditary areflexic dystasia. Identifiers: Orphanet 3115, MedGen C0205713, MONDO:0008392, OMIM 180800.

Allele frequency attached by ClinVar (database versions not stated): TOPMed 0.00278; 1000 Genomes Project 0.00479; 1000 Genomes Project 30x 0.00531.
gnomAD v4.1: 469 of 277,242 alleles (0.17%); highest among the groups gnomAD compares: African/African-American, 0.93%; 3 homozygotes.

Submissions (5):

GeneDx
Classification: Likely benign. Last evaluated: 2021-08-24. Review status: criteria provided, single submitter. Criteria: GeneDx Variant Classification Process June 2021. Collection method: clinical testing. Allele origin: germline. Affected: yes.

Illumina Laboratory Services, Illumina
Classification: Uncertain significance for Neuropathy, congenital hypomyelinating, 2. Last evaluated: 2018-01-12. Review status: criteria provided, single submitter. Criteria: ICSL Variant Classification Criteria 13 December 2019. Collection method: clinical testing. Allele origin: germline.

Illumina Laboratory Services, Illumina
Classification: Benign for Charcot-Marie-Tooth disease type 1B. Last evaluated: 2018-01-12. Review status: criteria provided, single submitter. Criteria: ICSL Variant Classification Criteria 13 December 2019. Collection method: clinical testing. Allele origin: germline.
Comment: This variant was observed in the ICSL laboratory as part of a predisposition screen in an ostensibly healthy population. It had not been previously curated by ICSL or reported in the Human Gene Mutation Database (HGMD: prior to June 1st, 2018), and was therefore a candidate for classification through an automated scoring system. Utilizing variant allele frequency, disease prevalence and penetrance estimates, and inheritance mode, an automated score was calculated to assess if this variant is too frequent to cause the disease. Based on the score and internal cut-off values, a variant classified as benign is not then subjected to further curation. The score for this variant resulted in a classification of benign for this disease.

Illumina Laboratory Services, Illumina
Classification: Benign for Roussy-Lévy syndrome. Last evaluated: 2018-01-12. Review status: criteria provided, single submitter. Criteria: ICSL Variant Classification Criteria 13 December 2019. Collection method: clinical testing. Allele origin: germline.
Comment: the same text as in the submission from Illumina Laboratory Services, Illumina above.

Illumina Laboratory Services, Illumina
Classification: Benign for Charcot-Marie-Tooth disease dominant intermediate D. Last evaluated: 2018-01-12. Review status: criteria provided, single submitter. Criteria: ICSL Variant Classification Criteria 13 December 2019. Collection method: clinical testing. Allele origin: germline.
Comment: the same text as in the submission from Illumina Laboratory Services, Illumina above.

NM_000530.8(MPZ):c.*360C>G

Gene: MPZ (myelin protein zero; minus strand). Cytogenetic location: 1q23.3.
Variant type: single nucleotide variant.
Coding change: c.*360C>G on transcript NM_000530.8 (MANE Select); 360 bases downstream of the stop codon, C replaced by G.
Molecular consequence: 3 prime UTR variant.
Genome position (GRCh38, 1-based): chr1:161,305,516, G>C on the plus strand (C>G on the coding strand, the complement: MPZ is on the minus strand). VCF-style: chr1-161305516-G-C. GRCh37 (hg19) VCF-style: chr1-161275306-G-C.
Other names: c.*168C>G (NM_001315491.2).
Identifiers: ClinVar variation 876416 (VCV000876416.5), dbSNP rs6682046, ClinGen allele CA31667444.